The following is an entry in ClinVar:

ClinVar aggregate classification (germline): Uncertain significance (1 of 4 stars; one submission).

Conditions:
Neutral lipid storage myopathy (NLSDM). Also called: NEUTRAL LIPID STORAGE DISEASE WITHOUT ICHTHYOSIS. Identifiers: Orphanet 98908, MedGen C1853136, MONDO:0012545, OMIM 610717.

Submission:

Labcorp Genetics (formerly Invitae), Labcorp
Classification: Uncertain significance for Neutral lipid storage myopathy. Last evaluated: 2018-03-19. Review status: criteria provided, single submitter. Criteria: Invitae Variant Classification Sherloc (09022015). Collection method: clinical testing. Allele origin: germline.
Comment: This sequence change results in a premature translational stop signal in the PNPLA2 gene (p.Leu309Argfs*239). While this is not anticipated to result in nonsense mediated decay, it is expected to disrupt the last 196 amino acids of the PNPLA2 protein. This variant is not present in population databases (ExAC no frequency). This variant has not been reported in the literature in individuals with PNPLA2-related disease. In summary, the available evidence is currently insufficient to determine the role of this variant in disease. Therefore, it has been classified as a Variant of Uncertain Significance.

NM_020376.4(PNPLA2):c.926_936del (p.Leu309fs)

Gene: PNPLA2 (patatin like domain 2, triacylglycerol lipase; plus strand). Cytogenetic location: 11p15.5.
Variant type: Deletion.
Coding change: c.926_936del on transcript NM_020376.4 (MANE Select); coding-DNA positions 926 to 936, 11 bases deleted (TGGAGGCCTGC).
Protein change: p.Leu309fs; shifts the reading frame from leucine 309.
Molecular consequence: frameshift variant.
Genome position (GRCh38, 1-based): chr11:824,004-824,014, TGGAGGCCTGC deleted; deleting any 11 consecutive bases within chr11:823,999-824,014 gives the same sequence; the c. name uses the placement nearest the transcript's 3' end. VCF-style (leftmost placement, unchanged base first): chr11-823998-CCCTGCTGGAGG-C. GRCh37 (hg19) VCF-style: chr11-823998-CCCTGCTGGAGG-C.
Other names: short protein forms L309fs.
Identifiers: ClinVar variation 582893 (VCV000582893.2), dbSNP rs1565089531, ClinGen allele CA891843459.